The following is an entry in ClinVar:

NM_001378418.1(TCF20):c.3431T>A (p.Met1144Lys)

Gene: TCF20 (transcription factor 20; minus strand). Cytogenetic location: 22q13.2.
Variant type: single nucleotide variant.
Coding change: c.3431T>A on transcript NM_001378418.1 (MANE Select); coding-DNA position 3431, T replaced by A.
Protein change: p.Met1144Lys; replaces methionine 1144 with lysine.
Molecular consequence: missense variant.
Genome position (GRCh38, 1-based): chr22:42,211,875, A>T on the plus strand (T>A on the coding strand, the complement: TCF20 is on the minus strand). VCF-style: chr22-42211875-A-T. GRCh37 (hg19) VCF-style: chr22-42607881-A-T.
Other names: c.3431T>A, p.Met1144Lys (NM_005650.4, NM_181492.3); short protein forms M1144K.
Identifiers: ClinVar variation 3360199 (VCV003360199.1).

ClinVar aggregate classification (germline): Uncertain significance (1 of 4 stars; one submission).

Submission:

GeneDx
Classification: Uncertain significance. Last evaluated: 2023-06-20. Review status: criteria provided, single submitter. Criteria: GeneDx Variant Classification Process June 2021. Collection method: clinical testing. Allele origin: germline. Affected: yes.
Comment: Not observed at significant frequency in large population cohorts (gnomAD); In silico analysis supports that this missense variant does not alter protein structure/function; Has not been previously published as pathogenic or benign to our knowledge